The following is an entry in ClinVar:

NM_018012.4(KIF26B):c.1228G>C (p.Ala410Pro)

Gene: KIF26B (kinesin family member 26B; plus strand). Cytogenetic location: 1q44.
Variant type: single nucleotide variant.
Coding change: c.1228G>C on transcript NM_018012.4 (MANE Select); coding-DNA position 1228, G replaced by C.
Protein change: p.Ala410Pro; replaces alanine 410 with proline.
Molecular consequence: missense variant.
Genome position (GRCh38, 1-based): chr1:245,540,828, G>C. VCF-style: chr1-245540828-G-C. GRCh37 (hg19) VCF-style: chr1-245704130-G-C.
Other names: short protein forms A410P.
Identifiers: ClinVar variation 3057144 (VCV003057144.2), dbSNP rs61754898, ClinGen allele CA1487650.
Genomic context (GRCh38, chr1:245,540,828, plus strand): 5'-GCTGCCCAGAAGTTAAATCTGTCTTCTAAAAAGAAGAAACATCGGCCTTCCACTTCTTCC[G>C]CTGCCGAACCACCGCTCTTTGCAACCAGCTTCAGTGGGATTCTGCAGACCTCCCCTCCCC-3'
Protein context (NP_060482.2, residues 400-420): KKKHRPSTSS[Ala410Pro]AEPPLFATSF

ClinVar aggregate classification (germline): Benign (0 of 4 stars; one submission).

Conditions:
KIF26B-related disorder. Also called: KIF26B-related condition.

Allele frequency attached by ClinVar (database versions not stated): ESP Exome Variant Server 0.08060; TOPMed 0.09881; 1000 Genomes Project 30x 0.12117; 1000 Genomes Project 0.12700.
gnomAD v4.1: 187,113 of 1,613,628 alleles (12%); highest among the groups gnomAD compares: East Asian, 27%; 12,545 homozygotes.

Submission:

PreventionGenetics, part of Exact Sciences
Classification: Benign for KIF26B-related condition. Last evaluated: 2019-10-28. Review status: no assertion criteria provided. Collection method: clinical testing. Allele origin: germline.
Comment: This variant is classified as benign based on ACMG/AMP sequence variant interpretation guidelines (Richards et al. 2015 PMID: 25741868, with internal and published modifications).